The following is an entry in ClinVar:

ClinVar aggregate classification (germline): Likely benign. Review status: criteria provided, multiple submitters, no conflicts (2 of 4 stars). 3 submissions from 3 submitters: Likely benign (3). Last evaluated 2026-05-01.

Conditions:
Catecholaminergic polymorphic ventricular tachycardia 1. Also called: RYR2-Related Catecholaminergic Polymorphic Ventricular Tachycardia; VENTRICULAR TACHYCARDIA, STRESS-INDUCED POLYMORPHIC 1; VENTRICULAR TACHYCARDIA, CATECHOLAMINERGIC POLYMORPHIC, 1, WITH OR WITHOUT ATRIAL DYSFUNCTION AND/OR DILATED CARDIOMYOPATHY. Identifiers: Orphanet 3286, MedGen C1631597, MONDO:0011484, OMIM 604772.
Cardiomyopathy (CMYO). Also called: Cardiomyopathies. Identifiers: Orphanet 167848, MedGen C0878544, MONDO:0004994, HP:0001638. Inheritance: Various modes of inheritance.

Allele frequency attached by ClinVar (database versions not stated): gnomAD exomes below 0.00001; gnomAD 0.00001; TOPMed 0.00001.
gnomAD v4.1: 6 of 1,604,904 alleles (0.00037%); highest among the groups gnomAD compares: Non-Finnish European, 0.00051%; no homozygotes.

Submissions (3):

CeGaT Center for Human Genetics Tuebingen
Classification: Likely benign. Last evaluated: 2026-05-01. Review status: criteria provided, single submitter. Criteria: CeGaT Center For Human Genetics Tuebingen Variant Classification Criteria Version 2. Collection method: clinical testing. Allele origin: germline. Affected: yes. Observed: 1 variant allele.
Comment: RYR2: BP4

Labcorp Genetics (formerly Invitae), Labcorp
Classification: Likely benign for Catecholaminergic polymorphic ventricular tachycardia 1. Last evaluated: 2024-10-09. Review status: criteria provided, single submitter. Criteria: Invitae Variant Classification Sherloc (09022015). Collection method: clinical testing. Allele origin: germline.

Color Diagnostics, LLC DBA Color Health
Classification: Likely benign for Cardiomyopathy. Last evaluated: 2020-12-15. Review status: criteria provided, single submitter. Criteria: ACMG Guidelines, 2015. Collection method: clinical testing. Allele origin: germline.

NM_001035.3(RYR2):c.11040-6C>T

Gene: RYR2 (ryanodine receptor 2; plus strand). Cytogenetic location: 1q43.
Variant type: single nucleotide variant.
Coding change: c.11040-6C>T on transcript NM_001035.3 (MANE Select); 6 bases into the intron before coding-DNA position 11040, C replaced by T.
Molecular consequence: intron variant.
Genome position (GRCh38, 1-based): chr1:237,733,699, C>T. VCF-style: chr1-237733699-C-T. GRCh37 (hg19) VCF-style: chr1-237896999-C-T.
Identifiers: ClinVar variation 1171225 (VCV001171225.13), dbSNP rs764492350, ClinGen allele CA084684.